The following is an entry in ClinVar:

ClinVar aggregate classification (germline): Uncertain significance (1 of 4 stars; one submission).

Conditions:
RUNX1T1-associated neurodevelopmental disorder.

Submission:

Institute of Human Genetics, University of Leipzig Medical Center
Classification: Uncertain significance for RUNX1T1-associated neurodevelopmental disorder. Last evaluated: 2025-06-17. Review status: criteria provided, single submitter. Criteria: ACMG Guidelines, 2015. Collection method: clinical testing. Allele origin: de novo. Affected: yes.
Comment: Criteria applied: PM2,PS2, PP2

Literature cited by the submitters: PubMed 39568205.

NM_175634.3(RUNX1T1):c.695T>G (p.Leu232Arg)

Gene: RUNX1T1 (RUNX1 partner transcriptional co-repressor 1; minus strand). Cytogenetic location: 8q21.3.
Variant type: single nucleotide variant.
Coding change: c.695T>G on transcript NM_175634.3 (MANE Select); coding-DNA position 695, T replaced by G.
Protein change: p.Leu232Arg; replaces leucine 232 with arginine.
Molecular consequence: missense variant.
Genome position (GRCh38, 1-based): chr8:92,005,161, A>C on the plus strand (T>G on the coding strand, the complement: RUNX1T1 is on the minus strand). VCF-style: chr8-92005161-A-C. GRCh37 (hg19) VCF-style: chr8-93017389-A-C.
Other names: c.614T>G, p.Leu205Arg (NM_001198625.2, NM_001198632.2, NM_004349.4); c.695T>G, p.Leu232Arg (NM_001198626.2, NM_001198627.2, NM_001198628.2 and 3 more transcripts); c.635T>G, p.Leu212Arg (NM_001198633.2); c.728T>G, p.Leu243Arg (NM_001198634.2); c.872T>G, p.Leu291Arg (NM_001198679.3); c.779T>G, p.Leu260Arg (NM_001395209.1); c.584T>G, p.Leu195Arg (NM_175635.3, NM_175636.2); short protein forms L212R, L291R, L195R, L205R, L243R, L260R, L232R.
Identifiers: ClinVar variation 4056335 (VCV004056335.1).